The following is an entry in ClinVar:

NM_000642.3(AGL):c.1383G>A (p.Trp461Ter)

Gene: AGL (amylo-alpha-1,6-glucosidase and 4-alpha-glucanotransferase; plus strand). Cytogenetic location: 1p21.2.
Variant type: single nucleotide variant.
Coding change: c.1383G>A on transcript NM_000642.3 (MANE Select); coding-DNA position 1383, G replaced by A.
Protein change: p.Trp461Ter; replaces tryptophan 461 with a stop codon.
Molecular consequence: nonsense.
Genome position (GRCh38, 1-based): chr1:99,876,557, G>A. VCF-style: chr1-99876557-G-A. GRCh37 (hg19) VCF-style: chr1-100342113-G-A.
Other names: c.1383G>A, p.Trp461Ter (NM_000028.3, NM_000643.3, NM_000644.3 and 2 more transcripts); c.1335G>A, p.Trp445Ter (NM_000646.3); c.1182G>A, p.Trp394Ter (NM_001425327.1); c.1179G>A, p.Trp393Ter (NM_001425328.1, NM_001425329.1); c.1005G>A, p.Trp335Ter (NM_001425332.1); short protein forms W445*, W461*, W335*, W393*, W394*.
Identifiers: ClinVar variation 1341524 (VCV001341524.3), dbSNP rs2101132362, ClinGen allele CA341346491.

ClinVar aggregate classification (germline): Pathogenic (1 of 4 stars; one submission).

Conditions:
Glycogen storage disease type III (GSD3). Also called: Cori disease; FORBES DISEASE. Identifiers: Orphanet 366, MedGen C0017922, MONDO:0009291, OMIM 232400.

Submission:

Dasa
Classification: Pathogenic for Glycogen storage disease type III. Last evaluated: 2022-02-14. Review status: criteria provided, single submitter. Criteria: ACMG Guidelines, 2015. Collection method: clinical testing. Allele origin: germline. Affected: yes. Observed: 1 variant allele.
Comment: The c.1383G>A;p.(Trp461*) variant creates a premature translational stop signal in the AGL gene. It is expected to result in an absent or disrupted protein product - PVS1. This sequence change has been observed in affected individual(s) (PMID: 31508908) - PS4_supporting. This variant is not present in population databases (gnomAD; ABraOM no frequency) - PM2. The p.(Trp461*) was detected in a homozygous state in the analyzed sample - PM3_supporting. In summary, the currently available evidence indicates that the variant is pathogenic.

Literature cited by the submitters: PubMed 31508908.